The following is an entry in ClinVar:

ClinVar aggregate classification (germline): Pathogenic/Likely pathogenic. Review status: criteria provided, multiple submitters, no conflicts (2 of 4 stars). 4 submissions from 4 submitters: Pathogenic (2); Likely pathogenic (1). 1 of the submissions does not count toward it. Last evaluated 2025-04-11.

Conditions:
Distal spinal muscular atrophy. Also called: Distal hereditary motor neuropathy; Distal hereditary motor neuronopathy. Identifiers: Orphanet 53739, MedGen C0393541, MONDO:0018894.
Charcot-Marie-Tooth disease axonal type 2S. Also called: CHARCOT-MARIE-TOOTH NEUROPATHY, TYPE 2S; CHARCOT-MARIE-TOOTH DISEASE, AXONAL, AUTOSOMAL RECESSIVE, TYPE 2S. Identifiers: Orphanet 443073, MedGen C4015349, MONDO:0014511, OMIM 616155.
Autosomal recessive distal spinal muscular atrophy 1. Also called: HMN VI; NEURONOPATHY, SEVERE INFANTILE AXONAL, WITH RESPIRATORY FAILURE; Spinal muscular atrophy with respiratory distress 1; NEURONOPATHY, DISTAL HEREDITARY MOTOR, HARDING TYPE VI; NEUROPATHY, DISTAL HEREDITARY MOTOR, AUTOSOMAL RECESSIVE 1; SEVERE INFANTILE AXONAL NEUROPATHY WITH RESPIRATORY FAILURE. Identifiers: Orphanet 98920, MedGen C1858517, MONDO:0011436, OMIM 604320.
Inborn genetic diseases. Identifiers: MedGen C0950123, MeSH D030342.

gnomAD v4.1: 18 of 1,613,712 alleles (0.0011%); highest among the groups gnomAD compares: Admixed American, 0.0017%; no homozygotes.

Submissions (4):

Women's Health and Genetics/Laboratory Corporation of America, LabCorp
Classification: Likely pathogenic for Autosomal recessive distal spinal muscular atrophy 1. Last evaluated: 2025-04-11. Review status: criteria provided, single submitter. Criteria: LabCorp Variant Classification Summary - May 2015. Collection method: clinical testing. Allele origin: germline.
Comment: Variant summary: IGHMBP2 c.1144G>A (p.Glu382Lys) results in a conservative amino acid change in the encoded protein sequence. Four of five in-silico tools predict a damaging effect of the variant on protein function. The variant allele was found at a frequency of 8e-06 in 251060 control chromosomes. c.1144G>A has been observed in at-least three individual(s) affected with Autosomal recessive distal spinal muscular atrophy 1 (Grohmann_2003, Pierson_2011, Staplers_2013). These data indicate that the variant may be associated with disease. At least one publication reports experimental evidence evaluating an impact on protein function. The most pronounced variant effect results in diminished helicase activity in mouse N1E115 cells (Guenther_2007). The following publications have been ascertained in the context of this evaluation (PMID: 14681881, 19158098, 21353777, 23566544). ClinVar contains an entry for this variant (Variation ID: 637456). Based on the evidence outlined above, the variant was classified as likely pathogenic.

Labcorp Genetics (formerly Invitae), Labcorp
Classification: Pathogenic for Autosomal recessive distal spinal muscular atrophy 1; Charcot-Marie-Tooth disease axonal type 2S. Last evaluated: 2025-01-22. Review status: criteria provided, single submitter. Criteria: Invitae Variant Classification Sherloc (09022015). Collection method: clinical testing. Allele origin: germline.
Comment: This sequence change replaces glutamic acid, which is acidic and polar, with lysine, which is basic and polar, at codon 382 of the IGHMBP2 protein (p.Glu382Lys). This variant is present in population databases (no rsID available, gnomAD 0.003%). This missense change has been observed in individual(s) with spinal muscular atrophy with respiratory distress (PMID: 14681881, 21353777, 26922252). In at least one individual the data is consistent with being in trans (on the opposite chromosome) from a pathogenic variant. ClinVar contains an entry for this variant (Variation ID: 637456). Invitae Evidence Modeling of protein sequence and biophysical properties (such as structural, functional, and spatial information, amino acid conservation, physicochemical variation, residue mobility, and thermodynamic stability) indicates that this missense variant is expected to disrupt IGHMBP2 protein function with a positive predictive value of 95%. Experimental studies have shown that this missense change affects IGHMBP2 function (PMID: 19158098). For these reasons, this variant has been classified as Pathogenic.

Ambry Genetics
Classification: Pathogenic for Inborn genetic diseases. Last evaluated: 2020-03-27. Review status: criteria provided, single submitter. Criteria: Ambry Variant Classification Scheme 2023. Collection method: clinical testing. Allele origin: germline.
Comment: The p.E382K variant (also known as c.1144G>A), located in coding exon 8 of the IGHMBP2 gene, results from a G to A substitution at nucleotide position 1144. The glutamic acid at codon 382 is replaced by lysine, an amino acid with similar properties. This alteration has been detected in individuals with a spinal muscular atrophy with respiratory distress (SMARD1) phenotype in either an assumed or confirmed trans state with a second pathogenic IGHMBP2 alteration (Grohmann K et al. Ann. Neurol., 2003 Dec;54:719-24; Pierson TM et al. Neuromuscul. Disord., 2011 May;21:353-5; Stalpers XL et al. Neuromuscul. Disord., 2013 Jun;23:461-8). Additionally, functional studies in mice of the E382K alteration demonstrated reduced enzymatic activities of both ATPase and helicase (Guenther UP et al. Hum. Mol. Genet., 2009 Apr;18:1288-300). Based on data from the Genome Aggregation Database (gnomAD), the E382K allele has an overall frequency of <0.001% (2/251,060) and is also predicted to be deleterious by in silico analysis. Based on the supporting evidence, this alteration is interpreted as a disease-causing mutation.

Inherited Neuropathy Consortium
Classification: Uncertain significance for Distal spinal muscular atrophy. Review status: no assertion criteria provided. Collection method: literature only. Allele origin: germline. Affected: yes. Not counted in ClinVar's aggregate classification.

Literature cited by the submitters: PubMed 14681881 (cited by 4 submitters); PubMed 19158098 (cited by 3 submitters); PubMed 21353777 (cited by 3 submitters); PubMed 23566544 (cited by Women's Health and Genetics/Laboratory Corporation of America, LabCorp and Ambry Genetics); PubMed 26922252 (cited by Labcorp Genetics (formerly Invitae), Labcorp).

NM_002180.3(IGHMBP2):c.1144G>A (p.Glu382Lys)

Gene: IGHMBP2 (immunoglobulin mu DNA binding protein 2; plus strand). Cytogenetic location: 11q13.3.
Variant type: single nucleotide variant.
Coding change: c.1144G>A on transcript NM_002180.3 (MANE Select); coding-DNA position 1144, G replaced by A.
Protein change: p.Glu382Lys; replaces glutamic acid 382 with lysine.
Molecular consequence: missense variant.
Genome position (GRCh38, 1-based): chr11:68,929,266, G>A. VCF-style: chr11-68929266-G-A. GRCh37 (hg19) VCF-style: chr11-68696734-G-A.
Other names: short protein forms E382K.
Identifiers: ClinVar variation 637456 (VCV000637456.14), dbSNP rs776730737, ClinGen allele CA223405800.
Genomic context (GRCh38, chr11:68,929,266, plus strand): 5'-AAGTTGCTGCCCGAGAGCTACTTCGACGTGGTGGTCATTGACGAGTGTGCCCAGGCCCTC[G>A]AGGCGAGCTGCTGGATCCCCCTGCTGAAGGCCAGAAAGTGCATCCTGGCGGGCGATCACA-3'
Protein context (NP_002171.2, residues 372-392): VVIDECAQAL[Glu382Lys]ASCWIPLLKA